The following is an entry in ClinVar:

ClinVar aggregate classification (germline): Pathogenic (1 of 4 stars; one submission).

Conditions:
Cystic fibrosis (CF). Also called: MUCOVISCIDOSIS. Identifiers: Orphanet 586, MedGen C0010674, MONDO:0009061, OMIM 219700. Disease mechanism: loss of function.

Submission:

Institute of Human Genetics, University of Leipzig Medical Center
Classification: Pathogenic for Cystic fibrosis. Last evaluated: 2022-09-05. Review status: criteria provided, single submitter. Criteria: ACMG Guidelines, 2015. Collection method: curation. Allele origin: unknown. Affected: yes. Observed: 2 variant alleles.
Comment: This variant was identified in 2 unrelated patients with a clinically confirmed diagnosis of cystic fibrosis. The variant was classified in the context of a project re-classifying variants in the German Cystic Fibrosis Registry (Muko.e.V.). Criteria applied: PVS1_STR, PM2_SUP, PM3_STR, PP4

NM_000492.4:c.(3468+1_3469-1)_(3717+1_3718-1)del

Gene: CFTR (CF transmembrane conductance regulator; plus strand).
Variant type: Deletion.
Other names: CFTRdele19; c.(3468+1_3469-1)_(3717+1_3718-1)del (NM_000492.4).
Identifiers: ClinVar variation 1706025 (VCV001706025.1).